The following is an entry in ClinVar:

NM_024921.4(POF1B):c.619C>T (p.Pro207Ser)

Gene: POF1B (POF1B actin binding protein; minus strand). Cytogenetic location: Xq21.1.
Variant type: single nucleotide variant.
Coding change: c.619C>T on transcript NM_024921.4 (MANE Select); coding-DNA position 619, C replaced by T.
Protein change: p.Pro207Ser; replaces proline 207 with serine.
Molecular consequence: missense variant.
Genome position (GRCh38, 1-based): chrX:85,345,964, G>A on the plus strand (C>T on the coding strand, the complement: POF1B is on the minus strand). VCF-style: chrX-85345964-G-A. GRCh37 (hg19) VCF-style: chrX-84600970-G-A.
Other names: c.619C>T, p.Pro207Ser (NM_001307940.2); short protein forms P207S.
Identifiers: ClinVar variation 368790 (VCV000368790.10), dbSNP rs363766, ClinGen allele CA10465132.
Genomic context (GRCh38, chrX:85,345,964, plus strand): 5'-CAATATGTGTAGAAATTGGATTATTTCCTGTGATGGCTTGGATTTGCTGGCTAGAATCAG[G>A]TTGTTGCCAGTGTGCAGAGTGGATGACCTGGGGCTGTTGGATAATGTGATGATGGCATTG-3'
Protein context (NP_079197.3, residues 197-217): QVIHSAHWQQ[Pro207Ser]DSSQQIQAIT

ClinVar aggregate classification (germline): Benign. Review status: criteria provided, multiple submitters, no conflicts (2 of 4 stars). 3 submissions from 3 submitters: Benign (3). Last evaluated 2019-12-31.

Conditions:
Premature ovarian failure 2B. Identifiers: MedGen C1845105, MONDO:0010373, OMIM 300604.

Allele frequency attached by ClinVar (database versions not stated): gnomAD exomes 0.00143 and 0.00382; ExAC 0.00495; 1000 Genomes Project 0.01377; gnomAD 0.01389 and 0.01489; 1000 Genomes Project 30x 0.01436; TOPMed 0.01574; ESP Exome Variant Server 0.01732.
gnomAD v4.1: 3,167 of 1,205,310 alleles (0.26%); highest among the groups gnomAD compares: African/African-American, 4.8%; 61 homozygotes.

Submissions (3):

Labcorp Genetics (formerly Invitae), Labcorp
Classification: Benign. Last evaluated: 2019-12-31. Review status: criteria provided, single submitter. Criteria: Invitae Variant Classification Sherloc (09022015). Collection method: clinical testing. Allele origin: germline.

Illumina Laboratory Services, Illumina
Classification: Benign for Premature ovarian failure 2B. Last evaluated: 2018-01-12. Review status: criteria provided, single submitter. Criteria: ICSL Variant Classification Criteria 13 December 2019. Collection method: clinical testing. Allele origin: germline.
Comment: This variant was observed in the ICSL laboratory as part of a predisposition screen in an ostensibly healthy population. It had not been previously curated by ICSL or reported in the Human Gene Mutation Database (HGMD: prior to June 1st, 2018), and was therefore a candidate for classification through an automated scoring system. Utilizing variant allele frequency, disease prevalence and penetrance estimates, and inheritance mode, an automated score was calculated to assess if this variant is too frequent to cause the disease. Based on the score and internal cut-off values, a variant classified as benign is not then subjected to further curation. The score for this variant resulted in a classification of benign for this disease.

Breakthrough Genomics
Classification: Benign. Review status: criteria provided, single submitter. Criteria: ACMG Guidelines, 2015. Collection method: not provided. Allele origin: germline. Inheritance: X-linked inheritance. Affected: yes.